The following is an entry in ClinVar:

GRCh37/hg19 1q21.1-21.2(chr1:146470888-147473821)x1

Genes: ACP6 (acid phosphatase 6, lysophosphatidic; minus strand), BCL9 (BCL9 transcription coactivator; plus strand), CHD1L (chromodomain helicase DNA binding protein 1 like; plus strand), FMO5 (flavin containing dimethylaniline monoxygenase 5; minus strand), GJA5 (gap junction protein alpha 5; minus strand) and 3 more. Cytogenetic location: 1q21.1-21.2.
Variant type: copy number loss.
Change: copy number 1 (one copy instead of two) of chr1:146,470,888-147,473,821 (1.00 Mb, GRCh37 coordinates, 1-based), cytogenetic band 1q21.1-21.2.
Identifiers: ClinVar variation 2685654 (VCV002685654.1).

ClinVar aggregate classification (germline): Pathogenic (1 of 4 stars; one submission).

Submission:

Quest Diagnostics Nichols Institute San Juan Capistrano
Classification: Pathogenic. Last evaluated: 2023-06-19. Review status: criteria provided, single submitter. Criteria: ACMG/ClinGen CNV Guidelines, 2019. Collection method: clinical testing. Allele origin: unknown.
Comment: This copy number loss involves multiple genes, and is associated with the 1q21.1 deletion syndrome (OMIM 612474). Inheritance from a normal or mildly affected parent has been reported, suggesting incomplete penetrance and variable expressivity. See GeneReviews for additional information and references.